The following is an entry in ClinVar:

ClinVar aggregate classification (germline): Likely benign. Review status: criteria provided, multiple submitters, no conflicts (2 of 4 stars). 2 submissions from 2 submitters: Likely benign (2). Last evaluated 2026-06-28.

Conditions:
VPS13B-related disorder. Also called: VPS13B-related condition.
Cohen syndrome (COH1). Also called: PEPPER SYNDROME; Cutis verticis gyrata, retinitis pigmentosa, and sensorineural deafness. Identifiers: Orphanet 193, MedGen C0265223, MONDO:0008999, OMIM 216550.

Allele frequency attached by ClinVar (database versions not stated): ExAC 0.00001.

Submissions (2):

PreventionGenetics, part of Exact Sciences
Classification: Likely benign for VPS13B-related condition. Last evaluated: 2026-06-28. Review status: criteria provided, single submitter. Criteria: ACMG Guidelines, 2015. Collection method: clinical testing. Allele origin: germline.
Comment: This variant is classified as likely benign based on ACMG/AMP sequence variant interpretation guidelines (Richards et al. 2015 PMID: 25741868, with internal and published modifications).

Labcorp Genetics (formerly Invitae), Labcorp
Classification: Likely benign for Cohen syndrome. Last evaluated: 2023-09-15. Review status: criteria provided, single submitter. Criteria: Invitae Variant Classification Sherloc (09022015). Collection method: clinical testing. Allele origin: germline.

NM_152564.5(VPS13B):c.5721A>G (p.Ala1907=)

Gene: VPS13B (vacuolar protein sorting 13 homolog B; plus strand). Cytogenetic location: 8q22.2.
Variant type: single nucleotide variant.
Coding change: c.5721A>G on transcript NM_152564.5 (MANE Select); coding-DNA position 5721, A replaced by G.
Protein change: p.Ala1907=; no amino-acid change (alanine 1907 retained).
Molecular consequence: synonymous variant.
Genome position (GRCh38, 1-based): chr8:99,642,311, A>G. VCF-style: chr8-99642311-A-G. GRCh37 (hg19) VCF-style: chr8-100654539-A-G.
Other names: c.5796A>G, p.Ala1932= (NM_017890.5).
Identifiers: ClinVar variation 2872501 (VCV002872501.4), dbSNP rs769133801, ClinGen allele CA4823863.